The following is an entry in ClinVar:

ClinVar aggregate classification (germline): Uncertain significance (1 of 4 stars; one submission).

Conditions:
Cerebral cavernous malformation (CCM). Also called: Cerebral cavernous hemangioma (type); CAVERNOUS ANGIOMA, FAMILIAL; CAVERNOUS ANGIOMATOUS MALFORMATIONS; CEREBRAL CAPILLARY MALFORMATIONS; Cavernous Hemangioma of Brain; Cerebral cavernous malformations. Identifiers: Orphanet 221061, MedGen C2919945, MONDO:0000820, OMIM 116860, HP:0033522.

Submission:

Labcorp Genetics (formerly Invitae), Labcorp
Classification: Uncertain significance for Cerebral cavernous malformation. Last evaluated: 2021-12-02. Review status: criteria provided, single submitter. Criteria: Invitae Variant Classification Sherloc (09022015). Collection method: clinical testing. Allele origin: germline.
Comment: In summary, the available evidence is currently insufficient to determine the role of this variant in disease. Therefore, it has been classified as a Variant of Uncertain Significance. This sequence change replaces lysine, which is basic and polar, with glutamic acid, which is acidic and polar, at codon 591 of the KRIT1 protein (p.Lys591Glu). This variant is not present in population databases (gnomAD no frequency). This variant has not been reported in the literature in individuals affected with KRIT1-related conditions. Algorithms developed to predict the effect of missense changes on protein structure and function are either unavailable or do not agree on the potential impact of this missense change (SIFT: "Tolerated"; PolyPhen-2: "Probably Damaging"; Align-GVGD: "Class C0").

NM_194454.3(KRIT1):c.1771A>G (p.Lys591Glu)

Gene: KRIT1 (KRIT1 ankyrin repeat containing; minus strand). Cytogenetic location: 7q21.2.
Variant type: single nucleotide variant.
Coding change: c.1771A>G on transcript NM_194454.3 (MANE Select); coding-DNA position 1771, A replaced by G.
Protein change: p.Lys591Glu; replaces lysine 591 with glutamic acid.
Molecular consequence: missense variant.
Genome position (GRCh38, 1-based): chr7:92,213,939, T>C on the plus strand (A>G on the coding strand, the complement: KRIT1 is on the minus strand). VCF-style: chr7-92213939-T-C. GRCh37 (hg19) VCF-style: chr7-91843253-T-C.
Other names: c.1627A>G, p.Lys543Glu (NM_001013406.2, NM_001350669.1, NM_001350670.1); c.1057A>G, p.Lys353Glu (NM_001350671.1); c.1771A>G, p.Lys591Glu (NM_001350672.1, NM_001350673.1, NM_001350674.1 and 26 more transcripts); short protein forms K591E, K353E, K543E.
Identifiers: ClinVar variation 1469990 (VCV001469990.8), dbSNP rs2131316490, ClinGen allele CA368141264.